The following is an entry in ClinVar:

NM_024675.4(PALB2):c.1076G>A (p.Ser359Asn)

Gene: PALB2 (partner and localizer of BRCA2; minus strand). Cytogenetic location: 16p12.2.
Variant type: single nucleotide variant.
Coding change: c.1076G>A on transcript NM_024675.4 (MANE Select); coding-DNA position 1076, G replaced by A.
Protein change: p.Ser359Asn; replaces serine 359 with asparagine.
Molecular consequence: missense variant.
Genome position (GRCh38, 1-based): chr16:23,635,470, C>T on the plus strand (G>A on the coding strand, the complement: PALB2 is on the minus strand). VCF-style: chr16-23635470-C-T. GRCh37 (hg19) VCF-style: chr16-23646791-C-T.
Other names: short protein forms S359N.
Identifiers: ClinVar variation 830128 (VCV000830128.2), dbSNP rs1966995771, ClinGen allele CA395133968.

ClinVar aggregate classification (germline): Uncertain significance. Review status: criteria provided, single submitter (1 of 4 stars). 2 submissions from 2 submitters: Uncertain significance (1). 1 of the submissions does not count toward it. Last evaluated 2021-04-01.

Submissions (2):

Quest Diagnostics Nichols Institute San Juan Capistrano
Classification: Uncertain significance. Last evaluated: 2021-04-01. Review status: criteria provided, single submitter. Criteria: Quest Diagnostics criteria. Collection method: clinical testing. Allele origin: unknown.

Leiden Open Variation Database
Classification: Uncertain significance. Last evaluated: 2018-10-10. Review status: no assertion criteria provided. Collection method: curation. Allele origin: germline. Affected: yes. Not counted in ClinVar's aggregate classification.
Comment: Curators: Marc Tischkowitz, Arleen D. Auerbach. Submitter to LOVD: Yukihide Momozawa.

Literature cited by the submitters: PubMed 30287823 (cited by Quest Diagnostics Nichols Institute San Juan Capistrano and Leiden Open Variation Database).